The following is an entry in ClinVar:

ClinVar aggregate classification (germline): Likely benign. Review status: criteria provided, multiple submitters, no conflicts (2 of 4 stars). 3 submissions from 3 submitters: Likely benign (3). Last evaluated 2026-03-01.

Conditions:
Developmental and epileptic encephalopathy, 30 (DEE30). Also called: Epileptic encephalopathy, early infantile, 30. Identifiers: MedGen C4225360, MONDO:0014595, OMIM 616341.

Allele frequency attached by ClinVar (database versions not stated): 1000 Genomes Project 0.00040.

Submissions (3):

CeGaT Center for Human Genetics Tuebingen
Classification: Likely benign. Last evaluated: 2026-03-01. Review status: criteria provided, single submitter. Criteria: CeGaT Center For Human Genetics Tuebingen Variant Classification Criteria Version 2. Collection method: clinical testing. Allele origin: germline. Affected: yes. Observed: 3 variant alleles.
Comment: SIK1: BP4

Labcorp Genetics (formerly Invitae), Labcorp
Classification: Likely benign for Developmental and epileptic encephalopathy, 30. Last evaluated: 2026-01-05. Review status: criteria provided, single submitter. Criteria: Invitae Variant Classification Sherloc (09022015). Collection method: clinical testing. Allele origin: germline.

Blueprint Genetics
Classification: Likely benign. Last evaluated: 2024-09-17. Review status: criteria provided, single submitter. Criteria: ACMG Guidelines, 2015. Collection method: clinical testing. Allele origin: germline.

NM_173354.5(SIK1):c.1463-6C>A

Gene: SIK1 (salt inducible kinase 1; minus strand). Cytogenetic location: 21q22.3.
Variant type: single nucleotide variant.
Coding change: c.1463-6C>A on transcript NM_173354.5 (MANE Select); 6 bases into the intron before coding-DNA position 1463, C replaced by A.
Molecular consequence: intron variant.
Genome position (GRCh38, 1-based): chr21:43,418,547, G>T on the plus strand (C>A on the coding strand, the complement: SIK1 is on the minus strand). VCF-style: chr21-43418547-G-T. GRCh37 (hg19) VCF-style: chr21-44838427-G-T.
Identifiers: ClinVar variation 542724 (VCV000542724.19), dbSNP rs148529513, ClinGen allele CA321325571.